The following is an entry in ClinVar:

NM_005682.7(ADGRG1):c.1682+116G>A

Gene: ADGRG1 (adhesion G protein-coupled receptor G1; plus strand). Cytogenetic location: 16q21.
Variant type: single nucleotide variant.
Coding change: c.1682+116G>A on transcript NM_005682.7; 116 bases into the intron after coding-DNA position 1682, G replaced by A.
Genome position (GRCh38, 1-based): chr16:57,660,992, G>A. VCF-style: chr16-57660992-G-A. GRCh37 (hg19) VCF-style: chr16-57694904-G-A.
Other names: c.1664+116G>A (NM_001370440.1, NM_001370436.1, NM_001370438.1 and 8 more transcripts); c.1682+116G>A (NM_001370428.1, NM_001370430.1, NM_001370431.1 and 3 more transcripts); c.1172+116G>A (NM_001290142.2); c.1139+116G>A (NM_001370451.1, NM_001370453.1, NM_001370454.1 and 1 more transcripts); c.1157+116G>A (NM_001290143.2); c.1679+116G>A (NM_001370434.1, NM_001370433.1, NM_001145773.3); c.1508+116G>A (NM_001370442.1); c.1661+116G>A (NM_001370441.1).
Identifiers: ClinVar variation 681857 (VCV000681857.3), dbSNP rs17240883, ClinGen allele CA281581365.

ClinVar aggregate classification (germline): Benign. Review status: criteria provided, multiple submitters, no conflicts (2 of 4 stars). 2 submissions from 2 submitters: Benign (2). Last evaluated 2018-06-19.

Allele frequency attached by ClinVar (database versions not stated): 1000 Genomes Project 0.01677; 1000 Genomes Project 30x 0.01811; TOPMed 0.02377; gnomAD 0.02759 and 0.02814; gnomAD exomes 0.03245.
gnomAD v4.1: 23,370 of 746,616 alleles (3.1%); highest among the groups gnomAD compares: Non-Finnish European, 3.7%; 517 homozygotes.

Submissions (2):

GeneDx
Classification: Benign. Last evaluated: 2018-06-19. Review status: criteria provided, single submitter. Criteria: GeneDx Variant Classification (06012015). Collection method: clinical testing. Allele origin: germline. Affected: yes.
Comment: This variant is considered likely benign or benign based on one or more of the following criteria: it is a conservative change, it occurs at a poorly conserved position in the protein, it is predicted to be benign by multiple in silico algorithms, and/or has population frequency not consistent with disease.

Breakthrough Genomics
Classification: Benign. Review status: criteria provided, single submitter. Criteria: ACMG Guidelines, 2015. Collection method: not provided. Allele origin: germline. Inheritance: Autosomal recessive inheritance. Affected: yes.